The following is an entry in ClinVar:

NM_005120.3(MED12):c.221GCA[1] (p.Ser75del)

Gene: MED12 (mediator complex subunit 12; plus strand). Cytogenetic location: Xq13.1.
Variant type: Microsatellite.
Coding change: c.221GCA[1] on transcript NM_005120.3 (MANE Select); one copy of the 3-base unit GCA starting at c.221; the reference has two copies in a row; one copy, 3 bases deleted.
Protein change: p.Ser75del; deletes serine 75.
Molecular consequence: inframe deletion.
Genome position (GRCh38, 1-based): chrX:71,119,705-71,119,707, GCA deleted; deleting any 3 consecutive bases within chrX:71,119,700-71,119,707 gives the same sequence; the position shown is the placement nearest the transcript's 3' end. VCF-style (leftmost placement, unchanged base first): chrX-71119699-TCAG-T. GRCh37 (hg19) VCF-style: chrX-70339549-TCAG-T.
Other names: short protein forms S75del.
Identifiers: ClinVar variation 1706171 (VCV001706171.2), dbSNP rs2519662300, ClinGen allele CA2580612346.

ClinVar aggregate classification (germline): Uncertain significance (1 of 4 stars; one submission).

Submission:

GeneDx
Classification: Uncertain significance. Last evaluated: 2022-03-16. Review status: criteria provided, single submitter. Criteria: GeneDx Variant Classification Process June 2021. Collection method: clinical testing. Allele origin: germline. Affected: yes.
Comment: Not observed at significant frequency in large population cohorts (gnomAD); In-frame deletion of 1 amino acid in a non-repeat region; In silico analysis supports a deleterious effect on protein structure/function; Has not been previously published as pathogenic or benign to our knowledge